The following is an entry in ClinVar:

ClinVar aggregate classification (germline): Uncertain significance. Review status: criteria provided, multiple submitters, no conflicts (2 of 4 stars). 2 submissions from 2 submitters: Uncertain significance (2). Last evaluated 2023-11-20.

Allele frequency attached by ClinVar (database versions not stated): gnomAD exomes 0.00002; ExAC 0.00003; gnomAD 0.00003; ESP Exome Variant Server 0.00015.
gnomAD v4.1: 64 of 1,613,936 alleles (0.004%); highest among the groups gnomAD compares: Middle Eastern, 0.082%; no homozygotes.

Submissions (2):

Labcorp Genetics (formerly Invitae), Labcorp
Classification: Uncertain significance. Last evaluated: 2023-11-20. Review status: criteria provided, single submitter. Criteria: Invitae Variant Classification Sherloc (09022015). Collection method: clinical testing. Allele origin: germline.
Comment: This sequence change replaces proline, which is neutral and non-polar, with leucine, which is neutral and non-polar, at codon 1246 of the FBN3 protein (p.Pro1246Leu). This variant is present in population databases (rs143135391, gnomAD 0.004%). This variant has not been reported in the literature in individuals affected with FBN3-related conditions. ClinVar contains an entry for this variant (Variation ID: 1518054). Advanced modeling of protein sequence and biophysical properties (such as structural, functional, and spatial information, amino acid conservation, physicochemical variation, residue mobility, and thermodynamic stability) has been performed at Invitae for this missense variant, however the output from this modeling did not meet the statistical confidence thresholds required to predict the impact of this variant on FBN3 protein function. In summary, the available evidence is currently insufficient to determine the role of this variant in disease. Therefore, it has been classified as a Variant of Uncertain Significance.

Breakthrough Genomics
Classification: Uncertain significance. Review status: criteria provided, single submitter. Criteria: ACMG Guidelines, 2015. Collection method: not provided. Allele origin: germline. Inheritance: Unknown mechanism. Affected: yes.

NM_032447.5(FBN3):c.3737C>T (p.Pro1246Leu)

Gene: FBN3 (fibrillin 3; minus strand). Cytogenetic location: 19p13.2.
Variant type: single nucleotide variant.
Coding change: c.3737C>T on transcript NM_032447.5 (MANE Select); coding-DNA position 3737, C replaced by T.
Protein change: p.Pro1246Leu; replaces proline 1246 with leucine.
Molecular consequence: missense variant.
Genome position (GRCh38, 1-based): chr19:8,115,616, G>A on the plus strand (C>T on the coding strand, the complement: FBN3 is on the minus strand). VCF-style: chr19-8115616-G-A. GRCh37 (hg19) VCF-style: chr19-8180500-G-A.
Other names: c.3737C>T, p.Pro1246Leu (NM_001321431.2); short protein forms P1246L.
Identifiers: ClinVar variation 1518054 (VCV001518054.7), dbSNP rs143135391, ClinGen allele CA9152336.